The following continues an entry in ClinVar:

NM_000535.7(PMS2):c.953A>G (p.Tyr318Cys)

Gene: PMS2. ClinVar aggregate classification (germline): Conflicting classifications of pathogenicity. Uncertain significance (5); Benign (5); Likely benign (8).

Submissions 17 to 22 of 22:

Laboratory for Molecular Medicine, Mass General Brigham Personalized Medicine
Classification: Uncertain significance. Last evaluated: 2016-10-31. Review status: criteria provided, single submitter. Criteria: LMM Criteria. Collection method: clinical testing. Allele origin: germline.
Comment: Variant identified in a genome or exome case(s) and assessed due to predicted null impact of the variant or pathogenic assertions in the literature or databases. Disclaimer: This variant has not undergone full assessment. The following are preliminary notes: This variant is classified as DP in HGMD. It has been seen in one 4 control alleles and 10 centenarian alleles in one study. It is classified in ClinVar with 2 stars as Likely benign/benign by 4 submitters (Invitae, Ambry, GeneDx, Biesecker lab). MaxMAF = 0.05% in ExAC (high for disease incidence).

Color Diagnostics, LLC DBA Color Health
Classification: Likely benign for Hereditary cancer-predisposing syndrome. Last evaluated: 2015-11-09. Review status: criteria provided, single submitter. Criteria: ACMG Guidelines, 2015. Collection method: clinical testing. Allele origin: germline.

PreventionGenetics, part of Exact Sciences
Classification: Likely benign for PMS2-related condition. Last evaluated: 2019-07-09. Review status: no assertion criteria provided. Collection method: clinical testing. Allele origin: germline. Not counted in ClinVar's aggregate classification.
Comment: This variant is classified as likely benign based on ACMG/AMP sequence variant interpretation guidelines (Richards et al. 2015 PMID: 25741868, with internal and published modifications).

True Health Diagnostics
Classification: Likely benign for Hereditary cancer-predisposing syndrome. Last evaluated: 2017-12-01. Review status: no assertion criteria provided. Collection method: clinical testing. Allele origin: germline. Not counted in ClinVar's aggregate classification.

Biesecker Lab/Clinical Genomics Section, National Institutes of Health
Classification: Benign. Last evaluated: 2012-07-13. Review status: no assertion criteria provided. Collection method: research. Allele origin: germline. Affected: no. Observed: 7 variant alleles. Study: ClinSeq. Not counted in ClinVar's aggregate classification.
ClinVar note: Converted during submission from no known pathogenicity to Benign.

Department of Pathology and Laboratory Medicine, Sinai Health System
Classification: Uncertain significance for Malignant tumor of breast. Review status: no assertion criteria provided. Collection method: clinical testing. Allele origin: unknown. Affected: yes. Study: The Canadian Open Genetics Repository (COGR). Not counted in ClinVar's aggregate classification.
Comment: The PMS2 p.Tyr318Cys variant was identified in the literature however the frequency of this variant in an affected population was not provided. The variant was also identified in dbSNP (ID: rs139438201) as With other allele, ClinVar (classified as benign by Invitae; classified as likely benign by GeneDx, Ambry Genetics; classified as uncertain significance by LMMPHPM), databases. The variant was not identified in Cosmic, MutDB, Insight Colon Cancer Gene Variant Database, Zhejiang Colon Cancer Database, Mismatch Repair Genes Variant Database, Insight Hereditary Tumors Database, databases. The variant was identified in control databases in 108 of 277068 chromosomes at a frequency of 0.00039 increasing the likelihood this could be a low frequency benign variant (Genome Aggregation Consortium Feb 27, 2017). The p.Tyr318 residue is conserved in mammals but not in more distantly related organisms, and computational analyses (PolyPhen-2, SIFT, AlignGVGD, BLOSUM, MutationTaster) suggest that the variant may impact the protein; however, this information is not predictive enough to assume pathogenicity. The variant occurs outside of the splicing consensus sequence and in silico or computational prediction software programs (SpliceSiteFinder, MaxEntScan, NNSPLICE, GeneSplicer, HumanSpliceFinder) do not predict a difference in splicing. The variant is located with the DNA mismatch repair protein, C-terminal DNA mismatch repair protein family Ribosomal protein S5 domain 2-type fold functional domains increasing the likelihood that it may have clinical significance. In addition, the variant was found in Allelotypic analysis of novel nsSNPs and was found in 4 (1 homozygous) of 410 AJ controls and in 10 of 390 centenarians. The p.Y318C variant showed significant enrichment (5.3 fold, p=0.02) in PMS2 (Han 2013). In summary, based on the above information, the clinical significance of this variant cannot be determined with certainty at this time. This variant is classified as a variant of uncertain significance.

Literature cited by the submitters: PubMed 25186627 (cited by Quest Diagnostics Nichols Institute San Juan Capistrano and Women's Health and Genetics/Laboratory Corporation of America, LabCorp); PubMed 33471991 (cited by Quest Diagnostics Nichols Institute San Juan Capistrano); PubMed 25479140 (cited by Quest Diagnostics Nichols Institute San Juan Capistrano and Women's Health and Genetics/Laboratory Corporation of America, LabCorp); PubMed 25151201 (cited by Quest Diagnostics Nichols Institute San Juan Capistrano and Women's Health and Genetics/Laboratory Corporation of America, LabCorp); PubMed 23376243 (cited by 3 submitters); PubMed 25801821 (cited by Women's Health and Genetics/Laboratory Corporation of America, LabCorp).